The following is an entry in ClinVar:

NM_000352.6(ABCC8):c.3948G>A (p.Gly1316=)

Gene: ABCC8 (ATP binding cassette subfamily C member 8; minus strand). Cytogenetic location: 11p15.1.
Variant type: single nucleotide variant.
Coding change: c.3948G>A on transcript NM_000352.6 (MANE Select); coding-DNA position 3948, G replaced by A.
Protein change: p.Gly1316=; no amino-acid change (glycine 1316 retained).
Molecular consequence: synonymous variant. On other transcripts: non-coding transcript variant (1).
Genome position (GRCh38, 1-based): chr11:17,397,233, C>T on the plus strand (G>A on the coding strand, the complement: ABCC8 is on the minus strand). VCF-style: chr11-17397233-C-T. GRCh37 (hg19) VCF-style: chr11-17418780-C-T.
Other names: c.3948G>A (NM_000352.4); c.3951G>A, p.Gly1317= (NM_001287174.3); c.4014G>A, p.Gly1338= (NM_001351295.2); c.3948G>A, p.Gly1316= (NM_001351296.2); c.3945G>A, p.Gly1315= (NM_001351297.2).
Identifiers: ClinVar variation 1155343 (VCV001155343.10), dbSNP rs750535719, ClinGen allele CA5902637.

ClinVar aggregate classification (germline): Likely benign. Review status: criteria provided, multiple submitters, no conflicts (2 of 4 stars). 2 submissions from 2 submitters: Likely benign (2). Last evaluated 2026-05-03.

Conditions:
ABCC8-related disorder.

Allele frequency attached by ClinVar (database versions not stated): gnomAD exomes 0.00002 and 0.00004; ExAC 0.00005.
gnomAD v4.1: 27 of 1,613,736 alleles (0.0017%); highest among the groups gnomAD compares: East Asian, 0.06%; no homozygotes.

Submissions (2):

PreventionGenetics, part of Exact Sciences
Classification: Likely benign for ABCC8-related condition. Last evaluated: 2026-05-03. Review status: criteria provided, single submitter. Criteria: ACMG Guidelines, 2015. Collection method: clinical testing. Allele origin: germline.
Comment: This variant is classified as likely benign based on ACMG/AMP sequence variant interpretation guidelines (Richards et al. 2015 PMID: 25741868, with internal and published modifications).

Labcorp Genetics (formerly Invitae), Labcorp
Classification: Likely benign. Last evaluated: 2025-08-16. Review status: criteria provided, single submitter. Criteria: Invitae Variant Classification Sherloc (09022015). Collection method: clinical testing. Allele origin: germline.